The following is an entry in ClinVar:

NM_003200.5(TCF3):c.764C>T (p.Pro255Leu)

Gene: TCF3 (transcription factor 3; minus strand). Cytogenetic location: 19p13.3.
Variant type: single nucleotide variant.
Coding change: c.764C>T on transcript NM_003200.5 (MANE Select); coding-DNA position 764, C replaced by T.
Protein change: p.Pro255Leu; replaces proline 255 with leucine.
Molecular consequence: missense variant.
Genome position (GRCh38, 1-based): chr19:1,622,112, G>A on the plus strand (C>T on the coding strand, the complement: TCF3 is on the minus strand). VCF-style: chr19-1622112-G-A. GRCh37 (hg19) VCF-style: chr19-1622111-G-A.
Other names: c.764C>T (NM_003200.3); c.764C>T, p.Pro255Leu (NM_001136139.4, NM_001351778.2, NM_001351779.2); short protein forms P255L.
Identifiers: ClinVar variation 1440082 (VCV001440082.7), dbSNP rs573267242, ClinGen allele CA9050239.

ClinVar aggregate classification (germline): Uncertain significance. Review status: criteria provided, multiple submitters, no conflicts (2 of 4 stars). 2 submissions from 2 submitters: Uncertain significance (2). Last evaluated 2024-11-15.

Conditions:
Inborn genetic diseases. Identifiers: MedGen C0950123, MeSH D030342.

Allele frequency attached by ClinVar (database versions not stated): TOPMed 0.00005; ExAC 0.00006; gnomAD 0.00006 and 0.00007; 1000 Genomes Project 30x 0.00016; 1000 Genomes Project 0.00020.
gnomAD v4.1: 34 of 1,600,796 alleles (0.0021%); highest among the groups gnomAD compares: African/African-American, 0.023%; no homozygotes.

Submissions (2):

Ambry Genetics
Classification: Uncertain significance for Inborn genetic diseases. Last evaluated: 2024-11-15. Review status: criteria provided, single submitter. Criteria: Ambry Variant Classification Scheme 2023. Collection method: clinical testing. Allele origin: germline.

Labcorp Genetics (formerly Invitae), Labcorp
Classification: Uncertain significance. Last evaluated: 2023-12-31. Review status: criteria provided, single submitter. Criteria: Invitae Variant Classification Sherloc (09022015). Collection method: clinical testing. Allele origin: germline.
Comment: This sequence change replaces proline, which is neutral and non-polar, with leucine, which is neutral and non-polar, at codon 255 of the TCF3 protein (p.Pro255Leu). The frequency data for this variant in the population databases is considered unreliable, as metrics indicate poor data quality at this position in the gnomAD database. This variant has not been reported in the literature in individuals affected with TCF3-related conditions. ClinVar contains an entry for this variant (Variation ID: 1440082). Experimental studies and prediction algorithms are not available or were not evaluated, and the functional significance of this variant is currently unknown. In summary, the available evidence is currently insufficient to determine the role of this variant in disease. Therefore, it has been classified as a Variant of Uncertain Significance.